The following is an entry in ClinVar:

NM_006796.3(AFG3L2):c.98A>C (p.Gln33Pro)

Gene: AFG3L2 (AFG3 like matrix AAA peptidase subunit 2; minus strand). Cytogenetic location: 18p11.21.
Variant type: single nucleotide variant.
Coding change: c.98A>C on transcript NM_006796.3 (MANE Select); coding-DNA position 98, A replaced by C.
Protein change: p.Gln33Pro; replaces glutamine 33 with proline.
Molecular consequence: missense variant.
Genome position (GRCh38, 1-based): chr18:12,376,985, T>G on the plus strand (A>C on the coding strand, the complement: AFG3L2 is on the minus strand). VCF-style: chr18-12376985-T-G. GRCh37 (hg19) VCF-style: chr18-12376984-T-G.
Other names: p.Gln33Pro; short protein forms Q33P.
Identifiers: ClinVar variation 326114 (VCV000326114.27), dbSNP rs777868371, ClinGen allele CA8896855.

ClinVar aggregate classification (germline): Conflicting classifications of pathogenicity. Review status: criteria provided, conflicting classifications (1 of 4 stars). 8 submissions from 8 submitters: Uncertain significance (1); Benign (1); Likely benign (5). 1 of the submissions does not count toward it. Last evaluated 2025-12-23.

Conditions:
AFG3L2-related disorder. Also called: AFG3L2-related condition.
Inborn genetic diseases. Identifiers: MedGen C0950123, MeSH D030342.

Allele frequency attached by ClinVar (database versions not stated): gnomAD exomes 0.00006 and 0.00015; ExAC 0.00012; 1000 Genomes Project 30x 0.00141; gnomAD 0.00192 and 0.00211; TOPMed 0.00216.
gnomAD v4.1: 494 of 1,460,644 alleles (0.034%); highest among the groups gnomAD compares: African/African-American, 0.66%; 1 homozygote.

Submissions (8):

Labcorp Genetics (formerly Invitae), Labcorp
Classification: Uncertain significance. Last evaluated: 2025-12-23. Review status: criteria provided, single submitter. Criteria: Invitae Variant Classification Sherloc (09022015). Collection method: clinical testing. Allele origin: germline.
Comment: This sequence change replaces glutamine, which is neutral and polar, with proline, which is neutral and non-polar, at codon 33 of the AFG3L2 protein (p.Gln33Pro). The frequency data for this variant in the population databases is considered unreliable, as metrics indicate poor data quality at this position in the gnomAD database. This variant has not been reported in the literature in individuals affected with AFG3L2-related conditions. ClinVar contains an entry for this variant (Variation ID: 326114). Invitae Evidence Modeling of protein sequence and biophysical properties (such as structural, functional, and spatial information, amino acid conservation, physicochemical variation, residue mobility, and thermodynamic stability) indicates that this missense variant is not expected to disrupt AFG3L2 protein function with a negative predictive value of 95%. In summary, the available evidence is currently insufficient to determine the role of this variant in disease. Therefore, it has been classified as a Variant of Uncertain Significance.

Mayo Clinic Laboratories, Mayo Clinic
Classification: Likely benign. Last evaluated: 2025-05-27. Review status: criteria provided, single submitter. Criteria: ACMG Guidelines, 2015. Collection method: clinical testing. Allele origin: germline. Observed: 3 variant alleles.
Comment: BS1

CeGaT Center for Human Genetics Tuebingen
Classification: Likely benign. Last evaluated: 2025-05-01. Review status: criteria provided, single submitter. Criteria: CeGaT Center For Human Genetics Tuebingen Variant Classification Criteria Version 2. Collection method: clinical testing. Allele origin: germline. Affected: yes. Observed: 1 variant allele.
Comment: AFG3L2: BP4

Blueprint Genetics
Classification: Likely benign. Last evaluated: 2024-11-08. Review status: criteria provided, single submitter. Criteria: ACMG Guidelines, 2015. Collection method: clinical testing. Allele origin: germline.

Ambry Genetics
Classification: Likely benign for Inborn genetic diseases. Last evaluated: 2022-03-18. Review status: criteria provided, single submitter. Criteria: Ambry Variant Classification Scheme 2023. Collection method: clinical testing. Allele origin: germline.

GeneDx
Classification: Likely benign. Last evaluated: 2020-07-10. Review status: criteria provided, single submitter. Criteria: GeneDx Variant Classification Process June 2021. Collection method: clinical testing. Allele origin: germline. Affected: yes.

Athena Diagnostics
Classification: Benign. Last evaluated: 2019-01-15. Review status: criteria provided, single submitter. Criteria: Athena Diagnostics Criteria. Collection method: clinical testing. Allele origin: germline.

PreventionGenetics, part of Exact Sciences
Classification: Likely benign for AFG3L2-related condition. Last evaluated: 2021-03-02. Review status: no assertion criteria provided. Collection method: clinical testing. Allele origin: germline. Not counted in ClinVar's aggregate classification.
Comment: This variant is classified as likely benign based on ACMG/AMP sequence variant interpretation guidelines (Richards et al. 2015 PMID: 25741868, with internal and published modifications).